The following is an entry in ClinVar:

NM_006846.4(SPINK5):c.1093-209G>C

Gene: SPINK5 (serine peptidase inhibitor Kazal type 5; plus strand). Cytogenetic location: 5q32.
Variant type: single nucleotide variant.
Coding change: c.1093-209G>C on transcript NM_006846.4 (MANE Select); 209 bases into the intron before coding-DNA position 1093, G replaced by C.
Molecular consequence: intron variant.
Genome position (GRCh38, 1-based): chr5:148,100,245, G>C. VCF-style: chr5-148100245-G-C. GRCh37 (hg19) VCF-style: chr5-147479808-G-C.
Other names: c.1093-209G>C (NM_001127698.2, NM_001127699.2).
Identifiers: ClinVar variation 677731 (VCV000677731.1), dbSNP rs17107730, ClinGen allele CA128918034.

ClinVar aggregate classification (germline): Benign (1 of 4 stars; one submission).

Allele frequency attached by ClinVar (database versions not stated): gnomAD 0.06145 and 0.06609; 1000 Genomes Project 30x 0.06855; TOPMed 0.07067.
gnomAD v4.1: 9,244 of 152,050 alleles (6.1%); highest among the groups gnomAD compares: African/African-American, 21%; 964 homozygotes.

Submission:

GeneDx
Classification: Benign. Last evaluated: 2018-06-19. Review status: criteria provided, single submitter. Criteria: GeneDx Variant Classification (06012015). Collection method: clinical testing. Allele origin: germline. Affected: yes.
Comment: This variant is considered likely benign or benign based on one or more of the following criteria: it is a conservative change, it occurs at a poorly conserved position in the protein, it is predicted to be benign by multiple in silico algorithms, and/or has population frequency not consistent with disease.